The following is an entry in ClinVar:

NM_000052.7(ATP7A):c.1708-13T>G

Gene: ATP7A (ATPase copper transporting alpha; plus strand). Cytogenetic location: Xq21.1.
Variant type: single nucleotide variant.
Coding change: c.1708-13T>G on transcript NM_000052.7 (MANE Select); 13 bases into the intron before coding-DNA position 1708, T replaced by G.
Molecular consequence: intron variant.
Genome position (GRCh38, 1-based): chrX:78,009,089, T>G. VCF-style: chrX-78009089-T-G. GRCh37 (hg19) VCF-style: chrX-77264586-T-G.
Other names: c.1708-13T>G (NM_001282224.2).
Identifiers: ClinVar variation 3381916 (VCV003381916.2).

ClinVar aggregate classification (germline): Uncertain significance (1 of 4 stars; one submission).

Conditions:
Cutis laxa, X-linked (OHS). Also called: EDS IX; Occipital horn syndrome. Identifiers: Orphanet 198, MedGen C0268353, MONDO:0010572, OMIM 304150.
X-linked distal spinal muscular atrophy type 3. Also called: ATP7A-Related Distal Motor Neuropathy; SPINAL MUSCULAR ATROPHY, DISTAL, X-LINKED RECESSIVE; NEURONOPATHY, DISTAL HEREDITARY MOTOR, X-LINKED; NEUROPATHY, DISTAL HEREDITARY MOTOR, X-LINKED. Identifiers: Orphanet 139557, MedGen C1845359, MONDO:0010338, OMIM 300489.
Menkes kinky-hair syndrome (MNK). Also called: Classic Menkes Disease; Copper transport disease; Menkes Disease. Identifiers: Orphanet 565, MedGen C0022716, MONDO:0010651, OMIM 309400.

gnomAD v4.1: 1 of 1,208,529 alleles (0.000083%); highest among the groups gnomAD compares: African/African-American, 0.0017%; no homozygotes.

Submission:

Juno Genomics, Hangzhou Juno Genomics, Inc
Classification: Uncertain significance for Menkes kinky-hair syndrome; Cutis laxa, X-linked; X-linked distal spinal muscular atrophy type 3. Review status: criteria provided, single submitter. Criteria: ACMG Guidelines, 2015. Collection method: clinical testing. Allele origin: germline. Affected: yes.
Comment: Absent from controls (or at extremely low frequency if recessive) in Genome Aggregation Database, Exome Sequencing Project, 1000 Genomes Project, or Exome Aggregation Consortium.;Multiple lines of computational evidence support a deleterious effect on the gene or gene product (conservation, evolutionary, splicing impact, etc).;Patient's phenotype or family history is highly specific for a disease with a single genetic etiology.